The following is an entry in ClinVar:

ClinVar aggregate classification (germline): Uncertain significance. Review status: criteria provided, multiple submitters, no conflicts (2 of 4 stars). 2 submissions from 2 submitters: Uncertain significance (2). Last evaluated 2022-04-12.

Submissions (2):

Labcorp Genetics (formerly Invitae), Labcorp
Classification: Uncertain significance. Last evaluated: 2022-04-12. Review status: criteria provided, single submitter. Criteria: Invitae Variant Classification Sherloc (09022015). Collection method: clinical testing. Allele origin: germline.
Comment: In summary, the available evidence is currently insufficient to determine the role of this variant in disease. Therefore, it has been classified as a Variant of Uncertain Significance. Algorithms developed to predict the effect of missense changes on protein structure and function (SIFT, PolyPhen-2, Align-GVGD) all suggest that this variant is likely to be disruptive. This variant has not been reported in the literature in individuals affected with NYX-related conditions. This variant is not present in population databases (gnomAD no frequency). This sequence change replaces glutamic acid, which is acidic and polar, with aspartic acid, which is acidic and polar, at codon 79 of the NYX protein (p.Glu79Asp).

Blueprint Genetics
Classification: Uncertain significance. Last evaluated: 2020-03-06. Review status: criteria provided, single submitter. Criteria: ACMG Guidelines, 2015. Collection method: clinical testing. Allele origin: germline.

NM_001378477.3(NYX):c.222G>C (p.Glu74Asp)

Gene: NYX (nyctalopin; plus strand). Cytogenetic location: Xp11.4.
Variant type: single nucleotide variant.
Coding change: c.222G>C on transcript NM_001378477.3 (MANE Select); coding-DNA position 222, G replaced by C.
Protein change: p.Glu74Asp; replaces glutamic acid 74 with aspartic acid.
Molecular consequence: missense variant.
Genome position (GRCh38, 1-based): chrX:41,473,690, G>C. VCF-style: chrX-41473690-G-C. GRCh37 (hg19) VCF-style: chrX-41332943-G-C.
Other names: c.222G>C, p.Glu74Asp (NM_022567.3); short protein forms E74D.
Identifiers: ClinVar variation 1937556 (VCV001937556.6), dbSNP rs1470816873, ClinGen allele CA412989657.